The following is an entry in ClinVar:

ClinVar aggregate classification (germline): Uncertain significance (1 of 4 stars; one submission).

Allele frequency attached by ClinVar (database versions not stated): 1000 Genomes Project 30x 0.00016; 1000 Genomes Project 0.00020.
gnomAD v4.1: 1 of 1,613,732 alleles (0.000062%); highest among the groups gnomAD compares: Admixed American, 0.0017%; no homozygotes.

Submission:

Labcorp Genetics (formerly Invitae), Labcorp
Classification: Uncertain significance. Last evaluated: 2023-07-25. Review status: criteria provided, single submitter. Criteria: Invitae Variant Classification Sherloc (09022015). Collection method: clinical testing. Allele origin: germline.
Comment: This variant has not been reported in the literature in individuals affected with FBN3-related conditions. This sequence change replaces cysteine, which is neutral and slightly polar, with tryptophan, which is neutral and slightly polar, at codon 951 of the FBN3 protein (p.Cys951Trp). This variant is present in population databases (rs148377163, gnomAD 0.003%). Advanced modeling of protein sequence and biophysical properties (such as structural, functional, and spatial information, amino acid conservation, physicochemical variation, residue mobility, and thermodynamic stability) performed at Invitae indicates that this missense variant is expected to disrupt FBN3 protein function. In summary, the available evidence is currently insufficient to determine the role of this variant in disease. Therefore, it has been classified as a Variant of Uncertain Significance.

NM_032447.5(FBN3):c.2853C>G (p.Cys951Trp)

Gene: FBN3 (fibrillin 3; minus strand). Cytogenetic location: 19p13.2.
Variant type: single nucleotide variant.
Coding change: c.2853C>G on transcript NM_032447.5 (MANE Select); coding-DNA position 2853, C replaced by G.
Protein change: p.Cys951Trp; replaces cysteine 951 with tryptophan.
Molecular consequence: missense variant.
Genome position (GRCh38, 1-based): chr19:8,123,887, G>C on the plus strand (C>G on the coding strand, the complement: FBN3 is on the minus strand). VCF-style: chr19-8123887-G-C. GRCh37 (hg19) VCF-style: chr19-8188771-G-C.
Other names: c.2853C>G, p.Cys951Trp (NM_001321431.2); short protein forms C951W.
Identifiers: ClinVar variation 2714954 (VCV002714954.3), dbSNP rs148377163, ClinGen allele CA9152693.